The following is an entry in ClinVar:

NM_002474.3(MYH11):c.3858+813T>C

Genes: MYH11 (myosin heavy chain 11; minus strand), NDE1 (nudE neurodevelopment protein 1; plus strand). Cytogenetic location: 16p13.11.
Variant type: single nucleotide variant.
Coding change: c.3858+813T>C on transcript NM_002474.3 (MANE Select); 813 bases into the intron after coding-DNA position 3858, T replaced by C.
Molecular consequence: intron variant. On other transcripts: 3 prime UTR variant (2).
Genome position (GRCh38, 1-based): chr16:15,726,035, A>G on the plus strand (T>C on the coding strand, the complement: MYH11 is on the minus strand). VCF-style: chr16-15726035-A-G. GRCh37 (hg19) VCF-style: chr16-15819892-A-G.
Other names: c.*1784A>G (NM_001143979.2, NM_017668.3); c.3858+813T>C (NM_022844.3); c.3879+813T>C (NM_001040114.2, NM_001040113.2).
Identifiers: ClinVar variation 318149 (VCV000318149.6), dbSNP rs113405225, ClinGen allele CA10647088.
Genomic context (GRCh38, chr16:15,726,035, plus strand): 5'-CAGCTGGGCACTCCAGCTCTACTGGCTGTATGTCTCTCTCCTAATTTTTCTACTTACCAC[A>G]GGGCCTTTGCACACGCTGTTCCCTCTGCCTGGTAGACTTATCCATGCTCCTTAGGGAAGC-3'

ClinVar aggregate classification (germline): Benign. Review status: criteria provided, single submitter (1 of 4 stars). 2 submissions from 1 submitter: Benign (2). Last evaluated 2018-01-13.

Conditions:
Aortic aneurysm, familial thoracic 4 (AAT4). Also called: AORTIC ANEURYSM/AORTIC DISSECTION AND PATENT DUCTUS ARTERIOSUS. Identifiers: MedGen C1851504, MONDO:0007568, OMIM 132900.
Lissencephaly 4 (LIS4). Also called: Lissencephaly 4 (with microcephaly). Identifiers: Orphanet 1083, MedGen C3151461, MONDO:0013527, OMIM 614019.

Allele frequency attached by ClinVar (database versions not stated): gnomAD exomes 0.00223; gnomAD 0.01581 and 0.01698; 1000 Genomes Project 0.01617; TOPMed 0.01825; 1000 Genomes Project 30x 0.01843.
gnomAD v4.1: 2,569 of 230,442 alleles (1.1%); highest among the groups gnomAD compares: African/African-American, 5.4%; 72 homozygotes.

Submissions (2):

Illumina Laboratory Services, Illumina
Classification: Benign for Aortic aneurysm, familial thoracic 4. Last evaluated: 2018-01-13. Review status: criteria provided, single submitter. Criteria: ICSL Variant Classification Criteria 13 December 2019. Collection method: clinical testing. Allele origin: germline.
Comment: This variant was observed in the ICSL laboratory as part of a predisposition screen in an ostensibly healthy population. It had not been previously curated by ICSL or reported in the Human Gene Mutation Database (HGMD: prior to June 1st, 2018), and was therefore a candidate for classification through an automated scoring system. Utilizing variant allele frequency, disease prevalence and penetrance estimates, and inheritance mode, an automated score was calculated to assess if this variant is too frequent to cause the disease. Based on the score and internal cut-off values, a variant classified as benign is not then subjected to further curation. The score for this variant resulted in a classification of benign for this disease.

Illumina Laboratory Services, Illumina
Classification: Benign for Lissencephaly 4. Last evaluated: 2018-01-12. Review status: criteria provided, single submitter. Criteria: ICSL Variant Classification Criteria 13 December 2019. Collection method: clinical testing. Allele origin: germline.
Comment: the same text as in the submission from Illumina Laboratory Services, Illumina above.